The following is an entry in ClinVar:

NM_018671.5(UNC45A):c.1937C>T (p.Ser646Leu)

Gene: UNC45A (unc-45 myosin chaperone A; plus strand). Cytogenetic location: 15q26.1.
Variant type: single nucleotide variant.
Coding change: c.1937C>T on transcript NM_018671.5 (MANE Select); coding-DNA position 1937, C replaced by T.
Protein change: p.Ser646Leu; replaces serine 646 with leucine.
Molecular consequence: missense variant.
Genome position (GRCh38, 1-based): chr15:90,949,374, C>T. VCF-style: chr15-90949374-C-T. GRCh37 (hg19) VCF-style: chr15-91492604-C-T.
Other names: c.1892C>T, p.Ser631Leu (NM_001039675.2, NM_001323621.2); c.1937C>T, p.Ser646Leu (NM_001323619.1); c.1502C>T, p.Ser501Leu (NM_001323620.2); short protein forms S646L, S501L, S631L.
Identifiers: ClinVar variation 1517582 (VCV001517582.6), dbSNP rs766048678, ClinGen allele CA7743124.

ClinVar aggregate classification (germline): Uncertain significance (1 of 4 stars; one submission).

Allele frequency attached by ClinVar (database versions not stated): gnomAD 0.00001; ExAC 0.00002; TOPMed 0.00002.
gnomAD v4.1: 15 of 1,613,546 alleles (0.00093%); highest among the groups gnomAD compares: South Asian, 0.0033%; no homozygotes.

Submission:

Labcorp Genetics (formerly Invitae), Labcorp
Classification: Uncertain significance. Last evaluated: 2026-01-17. Review status: criteria provided, single submitter. Criteria: Invitae Variant Classification Sherloc (09022015). Collection method: clinical testing. Allele origin: germline.
Comment: This sequence change replaces serine, which is neutral and polar, with leucine, which is neutral and non-polar, at codon 646 of the UNC45A protein (p.Ser646Leu). This variant is present in population databases (rs766048678, gnomAD 0.003%). This variant has not been reported in the literature in individuals affected with UNC45A-related conditions. ClinVar contains an entry for this variant (Variation ID: 1517582). Invitae Evidence Modeling of protein sequence and biophysical properties (such as structural, functional, and spatial information, amino acid conservation, physicochemical variation, residue mobility, and thermodynamic stability) indicates that this missense variant is expected to disrupt UNC45A protein function with a positive predictive value of 80%. In summary, the available evidence is currently insufficient to determine the role of this variant in disease. Therefore, it has been classified as a Variant of Uncertain Significance.